The following is an entry in ClinVar:

NM_004153.4(ORC1):c.2314G>C (p.Val772Leu)

Gene: ORC1 (origin recognition complex subunit 1; minus strand). Cytogenetic location: 1p32.3.
Variant type: single nucleotide variant.
Coding change: c.2314G>C on transcript NM_004153.4 (MANE Select); coding-DNA position 2314, G replaced by C.
Protein change: p.Val772Leu; replaces valine 772 with leucine.
Molecular consequence: missense variant.
Genome position (GRCh38, 1-based): chr1:52,374,887, C>G on the plus strand (G>C on the coding strand, the complement: ORC1 is on the minus strand). VCF-style: chr1-52374887-C-G. GRCh37 (hg19) VCF-style: chr1-52840559-C-G.
Other names: c.2314G>C, p.Val772Leu (NM_001190818.2); c.2299G>C, p.Val767Leu (NM_001190819.2); short protein forms V767L, V772L.
Identifiers: ClinVar variation 1395422 (VCV001395422.3), dbSNP rs61753389, ClinGen allele CA340345344.
Genomic context (GRCh38, chr1:52,374,887, plus strand): 5'-CCTCCAGTCCTGATCGACGGAACTCTGCGAGGATGGCTCTCAGGAAGCTCTGTTCCAGAA[C>G]AGAGGAATTTCTTAAAGGAAACGAGGGGATGTGAGTTTTTGTCAGTGGCTGTAACCCCAG-3'
Protein context (NP_004144.2, residues 762-782): SYITAIKNSS[Val772Leu]LEQSFLRAIL

ClinVar aggregate classification (germline): Uncertain significance (1 of 4 stars; one submission).

Submission:

Labcorp Genetics (formerly Invitae), Labcorp
Classification: Uncertain significance. Last evaluated: 2022-07-19. Review status: criteria provided, single submitter. Criteria: Invitae Variant Classification Sherloc (09022015). Collection method: clinical testing. Allele origin: germline.
Comment: This sequence change replaces valine, which is neutral and non-polar, with leucine, which is neutral and non-polar, at codon 772 of the ORC1 protein (p.Val772Leu). This variant is not present in population databases (gnomAD no frequency). This variant has not been reported in the literature in individuals affected with ORC1-related conditions. ClinVar contains an entry for this variant (Variation ID: 1395422). Algorithms developed to predict the effect of missense changes on protein structure and function output the following: SIFT: "Tolerated"; PolyPhen-2: "Benign"; Align-GVGD: "Class C0". The leucine amino acid residue is found in multiple mammalian species, which suggests that this missense change does not adversely affect protein function. In summary, the available evidence is currently insufficient to determine the role of this variant in disease. Therefore, it has been classified as a Variant of Uncertain Significance.